The following is an entry in ClinVar:

ClinVar aggregate classification (germline): Likely pathogenic (1 of 4 stars; one submission).

Conditions:
Congenital myasthenic syndrome 12 (CMS12). Also called: MYASTHENIC SYNDROME, CONGENITAL, WITH TUBULAR AGGREGATES 1; Myasthenia, congenital, 12, with tubular aggregates. Identifiers: Orphanet 353327, Orphanet 590, MedGen C3552335, MONDO:0012518, OMIM 610542.

Submission:

Labcorp Genetics (formerly Invitae), Labcorp
Classification: Likely pathogenic for Congenital myasthenic syndrome 12. Last evaluated: 2024-07-12. Review status: criteria provided, single submitter. Criteria: Invitae Variant Classification Sherloc (09022015). Collection method: clinical testing. Allele origin: germline.
Comment: This variant results in the deletion of part of exon 9 (c.686-1_686delinsAA) of the GFPT1 gene. It is expected to disrupt RNA splicing. Variants that disrupt the donor or acceptor splice site typically lead to a loss of protein function (PMID: 16199547), and loss-of-function variants in GFPT1 are known to be pathogenic (PMID: 23794683). Information on the frequency of this variant in the gnomAD database is not available, as this variant may be reported differently in the database. This variant has not been reported in the literature in individuals affected with GFPT1-related conditions. In summary, the currently available evidence indicates that the variant is pathogenic, but additional data are needed to prove that conclusively. Therefore, this variant has been classified as Likely Pathogenic.

Literature cited by the submitters: PubMed 16199547; PubMed 23794683.

NM_001244710.2(GFPT1):c.686-1_686delinsAA

Gene: GFPT1 (glutamine--fructose-6-phosphate transaminase 1; minus strand). Cytogenetic location: 2p13.3.
Variant type: Indel.
Coding change: c.686-1_686delinsAA on transcript NM_001244710.2 (MANE Select); the canonical splice acceptor site of the intron before coding-DNA position 686 through coding-DNA position 686, GC replaced by AA.
Molecular consequence: splice acceptor variant. On other transcripts: intron variant (1).
Genome position (GRCh38, 1-based): chr2:69,354,312-69,354,313, GC replaced by TT on the plus strand (GC replaced by AA on the coding strand, the reverse complement: GFPT1 is on the minus strand). VCF-style: chr2-69354312-GC-TT. GRCh37 (hg19) VCF-style: chr2-69581444-GC-TT.
Other names: c.685+176_685+177delinsAA (NM_002056.4).
Identifiers: ClinVar variation 3676381 (VCV003676381.2).